The following is an entry in ClinVar:

NM_014159.7(SETD2):c.5278-1G>C

Gene: SETD2 (SET domain containing 2, histone lysine methyltransferase; minus strand). Cytogenetic location: 3p21.31.
Variant type: single nucleotide variant.
Coding change: c.5278-1G>C on transcript NM_014159.7 (MANE Select); the canonical splice acceptor site of the intron before coding-DNA position 5278, G replaced by C.
Molecular consequence: splice acceptor variant.
Genome position (GRCh38, 1-based): chr3:47,086,315, C>G on the plus strand (G>C on the coding strand, the complement: SETD2 is on the minus strand). VCF-style: chr3-47086315-C-G. GRCh37 (hg19) VCF-style: chr3-47127805-C-G.
Other names: c.5146-1G>C (NM_001349370.3).
Identifiers: ClinVar variation 1197645 (VCV001197645.2), dbSNP rs2107646414, ClinGen allele CA352538568.
Genomic context (GRCh38, chr3:47,086,315, plus strand): 5'-CAACAAAGACAGCCCATGACGTTCCAGAAAGGACTTCAGGCAGGACTGTGAGTGTGTGTT[C>G]TTTCATGGGGGAAGGGAGACACGATGCAGAGCATTGGGAGGCAATATCAGAATATTACAA-3'

ClinVar aggregate classification (germline): Pathogenic (1 of 4 stars; one submission).

Submission:

GeneDx
Classification: Pathogenic. Last evaluated: 2019-12-20. Review status: criteria provided, single submitter. Criteria: GeneDx Variant Classification Process June 2021. Collection method: clinical testing. Allele origin: germline. Affected: yes.
Comment: Canonical splice site variant expected to result in aberrant splicing, although in the absence of functional evidence the actual effect of this sequence change is unknown; Not observed in large population cohorts (Lek et al., 2016); Has not been previously published as pathogenic or benign to our knowledge